The following is an entry in ClinVar:

ClinVar aggregate classification (germline): Uncertain significance. Review status: criteria provided, multiple submitters, no conflicts (2 of 4 stars). 2 submissions from 2 submitters: Uncertain significance (2). Last evaluated 2025-12-22.

Conditions:
Disseminated atypical mycobacterial infection. Identifiers: MedGen C0694566.

Allele frequency attached by ClinVar (database versions not stated): ExAC 0.00002; gnomAD 0.00003; gnomAD exomes 0.00003 and 0.00005; TOPMed 0.00004.
gnomAD v4.1: 51 of 1,614,074 alleles (0.0032%); highest among the groups gnomAD compares: Non-Finnish European, 0.0042%; no homozygotes.

Submissions (2):

Labcorp Genetics (formerly Invitae), Labcorp
Classification: Uncertain significance for Disseminated atypical mycobacterial infection. Last evaluated: 2025-12-22. Review status: criteria provided, single submitter. Criteria: Invitae Variant Classification Sherloc (09022015). Collection method: clinical testing. Allele origin: germline.
Comment: This sequence change replaces isoleucine, which is neutral and non-polar, with methionine, which is neutral and non-polar, at codon 352 of the IFNGR1 protein (p.Ile352Met). This variant is present in population databases (rs199641966, gnomAD 0.01%). This variant has not been reported in the literature in individuals affected with IFNGR1-related conditions. ClinVar contains an entry for this variant (Variation ID: 658801). Invitae Evidence Modeling of protein sequence and biophysical properties (such as structural, functional, and spatial information, amino acid conservation, physicochemical variation, residue mobility, and thermodynamic stability) indicates that this missense variant is not expected to disrupt IFNGR1 protein function with a negative predictive value of 80%. Experimental studies have shown that this missense change does not substantially affect IFNGR1 function (PMID: 20015550). In summary, the available evidence is currently insufficient to determine the role of this variant in disease. Therefore, it has been classified as a Variant of Uncertain Significance.

Breakthrough Genomics
Classification: Uncertain significance. Review status: criteria provided, single submitter. Criteria: ACMG Guidelines, 2015. Collection method: not provided. Allele origin: germline. Inheritance: Autosomal recessive inheritance. Affected: yes.

Literature cited by the submitters: PubMed 20015550 (cited by Labcorp Genetics (formerly Invitae), Labcorp).

NM_000416.3(IFNGR1):c.1056A>G (p.Ile352Met)

Gene: IFNGR1 (interferon gamma receptor 1; minus strand). Cytogenetic location: 6q23.3.
Variant type: single nucleotide variant.
Coding change: c.1056A>G on transcript NM_000416.3 (MANE Select); coding-DNA position 1056, A replaced by G.
Protein change: p.Ile352Met; replaces isoleucine 352 with methionine.
Molecular consequence: missense variant.
Genome position (GRCh38, 1-based): chr6:137,198,445, T>C on the plus strand (A>G on the coding strand, the complement: IFNGR1 is on the minus strand). VCF-style: chr6-137198445-T-C. GRCh37 (hg19) VCF-style: chr6-137519582-T-C.
Other names: c.1026A>G, p.Ile342Met (NM_001363526.1); c.933A>G, p.Ile311Met (NM_001363527.1); short protein forms I342M, I311M, I352M.
Identifiers: ClinVar variation 658801 (VCV000658801.10), dbSNP rs199641966, ClinGen allele CA4018818.
Genomic context (GRCh38, chr6:137,198,445, plus strand): 5'-AGTCAGATGGCTGCCCGGGACCACGTCAGGAATATTTTCTTCAGTAGTCACCACTTCTGT[T>C]ATACTAGAAAGTTCTTCTGTATGTTCCACTTTTCCTGGATTGTCTTCGGTATGCATGCCT-3'
Protein context (NP_000407.1, residues 342-362): KVEHTEELSS[Ile352Met]TEVVTTEENI